The following is an entry in ClinVar:

NM_005633.4(SOS1):c.1475A>G (p.Glu492Gly)

Gene: SOS1 (SOS Ras/Rac guanine nucleotide exchange factor 1; minus strand). Cytogenetic location: 2p22.1.
Variant type: single nucleotide variant.
Coding change: c.1475A>G on transcript NM_005633.4 (MANE Select); coding-DNA position 1475, A replaced by G.
Protein change: p.Glu492Gly; replaces glutamic acid 492 with glycine.
Molecular consequence: missense variant.
Genome position (GRCh38, 1-based): chr2:39,022,953, T>C on the plus strand (A>G on the coding strand, the complement: SOS1 is on the minus strand). VCF-style: chr2-39022953-T-C. GRCh37 (hg19) VCF-style: chr2-39250094-T-C.
Other names: c.1454A>G, p.Glu485Gly (NM_001382394.1); c.1475A>G, p.Glu492Gly (NM_001382395.1); short protein forms E485G, E492G.
Identifiers: ClinVar variation 4777580 (VCV004777580.1).

ClinVar aggregate classification (germline): Uncertain significance (1 of 4 stars; one submission).

Conditions:
RASopathy. Also called: Noonan spectrum disorder; rasopathies. Identifiers: Orphanet 536391, MedGen C5555857, MONDO:0021060.

Submission:

Labcorp Genetics (formerly Invitae), Labcorp
Classification: Uncertain significance for RASopathy. Last evaluated: 2025-10-30. Review status: criteria provided, single submitter. Criteria: Invitae Variant Classification Sherloc (09022015). Collection method: clinical testing. Allele origin: germline.
Comment: This sequence change replaces glutamic acid, which is acidic and polar, with glycine, which is neutral and non-polar, at codon 492 of the SOS1 protein (p.Glu492Gly). This variant is not present in population databases (gnomAD no frequency). This variant has not been reported in the literature in individuals affected with SOS1-related conditions. Invitae Evidence Modeling of protein sequence and biophysical properties (such as structural, functional, and spatial information, amino acid conservation, physicochemical variation, residue mobility, and thermodynamic stability) indicates that this missense variant is expected to disrupt SOS1 protein function with a positive predictive value of 95%. In summary, the available evidence is currently insufficient to determine the role of this variant in disease. Therefore, it has been classified as a Variant of Uncertain Significance.